The following is an entry in ClinVar:

ClinVar aggregate classification (germline): Pathogenic (1 of 4 stars; one submission).

Conditions:
Immunodeficiency, common variable, 1. Also called: ANTIBODY DEFICIENCY DUE TO ICOS DEFECT. Identifiers: Orphanet 1572, Orphanet 695183, MedGen C3149378, MONDO:0011864, OMIM 607594.

Submission:

Labcorp Genetics (formerly Invitae), Labcorp
Classification: Pathogenic for Immunodeficiency, common variable, 1. Last evaluated: 2025-04-07. Review status: criteria provided, single submitter. Criteria: Invitae Variant Classification Sherloc (09022015). Collection method: clinical testing. Allele origin: germline.
Comment: This sequence change creates a premature translational stop signal (p.Phe119Leufs*3) in the ICOS gene. It is expected to result in an absent or disrupted protein product. Loss-of-function variants in ICOS are known to be pathogenic (PMID: 11343122, 12577056, 19380800). This variant is not present in population databases (gnomAD no frequency). This variant has not been reported in the literature in individuals affected with ICOS-related conditions. ClinVar contains an entry for this variant (Variation ID: 2003841). For these reasons, this variant has been classified as Pathogenic.

Literature cited by the submitters: PubMed 11343122; PubMed 12577056; PubMed 19380800.

NM_012092.4(ICOS):c.357del (p.Phe119fs)

Gene: ICOS (inducible T cell costimulator; plus strand). Cytogenetic location: 2q33.2.
Variant type: Deletion.
Coding change: c.357del on transcript NM_012092.4 (MANE Select); coding-DNA position 357, one base deleted (T; older notation c.357delT).
Protein change: p.Phe119fs; shifts the reading frame from phenylalanine 119.
Molecular consequence: frameshift variant.
Genome position (GRCh38, 1-based): chr2:203,955,934, T deleted; the last of 4 consecutive T bases (chr2:203,955,931-203,955,934); deleting any one gives the same sequence. VCF-style (leftmost placement, unchanged base first): chr2-203955930-CT-C. GRCh37 (hg19) VCF-style: chr2-204820653-CT-C.
Other names: short protein forms F119fs.
Identifiers: ClinVar variation 2003841 (VCV002003841.4), dbSNP rs2469807419, ClinGen allele CA2580065463.
Genomic context (GRCh38, chr2:203,955,930, plus strand): 5'-ACTTGGACCATTCTCATGCCAACTATTACTTCTGCAACCTATCAATTTTTGATCCTCCTC[CT>C]TTTAAAGTAACTCTTACAGGAGGATATTTGCATATTTATGGTAAGACATTGCTTTCATCT-3'